The following is an entry in ClinVar:

NM_001927.4(DES):c.1A>G (p.Met1Val)

Gene: DES (desmin; plus strand). Cytogenetic location: 2q35.
Variant type: single nucleotide variant.
Coding change: c.1A>G on transcript NM_001927.4 (MANE Select); coding-DNA position 1, A replaced by G.
Protein change: p.Met1Val; changes the start codon (methionine 1).
Molecular consequence: missense variant, initiator codon variant.
Genome position (GRCh38, 1-based): chr2:219,418,463, A>G. VCF-style: chr2-219418463-A-G. GRCh37 (hg19) VCF-style: chr2-220283185-A-G.
Other names: c.1A>G (LRG_380t1); short protein forms M1V.
Identifiers: ClinVar variation 388926 (VCV000388926.22), dbSNP rs1057523274, ClinGen allele CA16604392.

ClinVar aggregate classification (germline): Conflicting classifications of pathogenicity. Review status: criteria provided, conflicting classifications (1 of 4 stars). 4 submissions from 4 submitters: Likely pathogenic (3); Uncertain significance (1). Last evaluated 2025-11-10.

Conditions:
Desmin-related myofibrillar myopathy (MFM1). Also called: Myofibrillar myopathy 1; Desminopathy; DESMIN-RELATED MYOPATHY WITH ARRHYTHMOGENIC RIGHT VENTRICULAR CARDIOMYOPATHY; Desmin related myopathy (former name); Desmin storage myopathy (former name); MYOFIBRILLAR MYOPATHY WITH ARRHYTHMOGENIC RIGHT VENTRICULAR CARDIOMYOPATHY. Identifiers: Orphanet 363543, Orphanet 98909, MedGen C1832370, MONDO:0011076, OMIM 601419.
Cardiovascular phenotype. Identifiers: MedGen CN230736.

Allele frequency attached by ClinVar (database versions not stated): gnomAD exomes below 0.00001; TOPMed below 0.00001.

Submissions (4):

Labcorp Genetics (formerly Invitae), Labcorp
Classification: Likely pathogenic for Desmin-related myofibrillar myopathy. Last evaluated: 2025-11-10. Review status: criteria provided, single submitter. Criteria: Invitae Variant Classification Sherloc (09022015). Collection method: clinical testing. Allele origin: germline.
Comment: This sequence change affects the initiator codon of the DES mRNA. This change may impact translation initiation or efficiency. The next in-frame methionine is located at codon 263. This variant is not present in population databases (gnomAD no frequency). This variant has not been reported in the literature in individuals affected with DES-related conditions. ClinVar contains an entry for this variant (Variation ID: 388926). This variant disrupts head, Coil 1A, and Coil 1B domains of the DES protein, which are important for desmin-mitochondrial interaction (PMID: 33825342, 15477095) . While functional studies have not been performed to directly test the effect of this variant on DES protein function, this suggests that disruption of this region of the protein is causative of disease. In summary, the currently available evidence indicates that the variant is pathogenic, but additional data are needed to prove that conclusively. Therefore, this variant has been classified as Likely Pathogenic.

GeneDx
Classification: Likely pathogenic. Last evaluated: 2024-10-30. Review status: criteria provided, single submitter. Criteria: GeneDx Variant Classification Process June 2021. Collection method: clinical testing. Allele origin: germline. Affected: yes.
Comment: Identified heterozygous in patients with ARVC and DCM in published literature (PMID: 36264615); Initiation codon variant in a gene for which loss of function is a known mechanism of disease; Not observed at significant frequency in large population cohorts (gnomAD); This variant is associated with the following publications: (PMID: 36264615)

Ambry Genetics
Classification: Uncertain significance for Cardiovascular phenotype. Last evaluated: 2024-05-17. Review status: criteria provided, single submitter. Criteria: Ambry Variant Classification Scheme 2023. Collection method: clinical testing. Allele origin: germline.
Comment: The p.M1? variant (also known as c.1A>G) is located in coding exon 1 of the DES gene and results from an A to G substitution at nucleotide position 1. This alters the methionine residue at the initiation codon (ATG). This variant is considered to be rare based on population cohorts in the Genome Aggregation Database (gnomAD). This amino acid position is highly conserved in available vertebrate species. Sequence variations that modify the initiation codon are expected to result in either loss of translation initiation, N-terminal truncation, or cause a shift in the mRNA reading frame. Although biallelic loss of function of DES has been associated with autosomal recessive DES-related myofibrillar myopathy, haploinsufficiency of DES has not been established as a mechanism of disease for autosomal dominant DES-related myopathy. Based on the supporting evidence, this variant is expected to be causative of autosomal recessive DES-related myofibrillar myopathy when present along with a second pathogenic variant on the other allele; however, its clinical significance for autosomal dominant DES-related myopathy is unclear.

Genetic Services Laboratory, University of Chicago
Classification: Likely pathogenic for Myopathy, myofibrillar, 1. Last evaluated: 2016-12-07. Review status: criteria provided, single submitter. Criteria: ACMG Guidelines, 2015. Collection method: clinical testing. Allele origin: germline. Affected: yes.

Literature cited by the submitters: PubMed 33825342 (cited by Labcorp Genetics (formerly Invitae), Labcorp); PubMed 15477095 (cited by Labcorp Genetics (formerly Invitae), Labcorp).